The following is an entry in ClinVar:

NM_145861.4(EDARADD):c.*1174A>G

Gene: EDARADD (EDAR associated via death domain; plus strand). Cytogenetic location: 1q43.
Variant type: single nucleotide variant.
Coding change: c.*1174A>G on transcript NM_145861.4 (MANE Select); 1174 bases downstream of the stop codon, A replaced by G.
Molecular consequence: 3 prime UTR variant.
Genome position (GRCh38, 1-based): chr1:236,483,823, A>G. VCF-style: chr1-236483823-A-G. GRCh37 (hg19) VCF-style: chr1-236647123-A-G.
Other names: c.*1174A>G (NM_001422628.1, NM_080738.5).
Identifiers: ClinVar variation 877064 (VCV000877064.5), dbSNP rs61511776, ClinGen allele CA39703056.
Genomic context (GRCh38, chr1:236,483,823, plus strand): 5'-ATGGGAAAGATGCCACCGGTGTGGGGGATGGAGGCGCGTTTGCTCCCAACATCCTGGAGA[A>G]TAAAGAAGGCCTGGAGCTGCTGAAGACTGCGATTGGGAAAGCTGGCTACACTGATAAGGT-3'

ClinVar aggregate classification (germline): Benign. Review status: criteria provided, multiple submitters, no conflicts (2 of 4 stars). 2 submissions from 2 submitters: Benign (2). Last evaluated 2018-01-13.

Conditions:
Hypohidrotic ectodermal dysplasia (HED). Identifiers: Orphanet 238468, MedGen C5848103, MONDO:0016535, HP:0007607.

Allele frequency attached by ClinVar (database versions not stated): gnomAD exomes 0.00078; gnomAD 0.00788 and 0.00836; 1000 Genomes Project 0.01018; 1000 Genomes Project 30x 0.01202; TOPMed 0.00844.
gnomAD v4.1: 2,273 of 1,436,348 alleles (0.16%); highest among the groups gnomAD compares: African/African-American, 2.6%; 39 homozygotes.

Submissions (2):

Illumina Laboratory Services, Illumina
Classification: Benign for Hypohidrotic ectodermal dysplasia. Last evaluated: 2018-01-13. Review status: criteria provided, single submitter. Criteria: ICSL Variant Classification Criteria 13 December 2019. Collection method: clinical testing. Allele origin: germline.
Comment: This variant was observed in the ICSL laboratory as part of a predisposition screen in an ostensibly healthy population. It had not been previously curated by ICSL or reported in the Human Gene Mutation Database (HGMD: prior to June 1st, 2018), and was therefore a candidate for classification through an automated scoring system. Utilizing variant allele frequency, disease prevalence and penetrance estimates, and inheritance mode, an automated score was calculated to assess if this variant is too frequent to cause the disease. Based on the score and internal cut-off values, a variant classified as benign is not then subjected to further curation. The score for this variant resulted in a classification of benign for this disease.

Breakthrough Genomics
Classification: Benign. Review status: criteria provided, single submitter. Criteria: ACMG Guidelines, 2015. Collection method: not provided. Allele origin: germline. Inheritance: Autosomal recessive inheritance. Affected: yes.